The following is an entry in ClinVar:

ClinVar aggregate classification (germline): Uncertain significance. Review status: criteria provided, multiple submitters, no conflicts (2 of 4 stars). 2 submissions from 2 submitters: Uncertain significance (2). Last evaluated 2025-06-14.

Conditions:
Inborn genetic diseases. Identifiers: MedGen C0950123, MeSH D030342.
Generalized epilepsy with febrile seizures plus, type 7 (GEFSP7). Also called: GEFS+, TYPE 7. Identifiers: Orphanet 36387, MedGen C2751778, MONDO:0013470, OMIM 613863.
Neuropathy, hereditary sensory and autonomic, type 2A (HSAN2A). Also called: WNK1-Related HSAN2 (HSAN2A); MORVAN DISEASE; NEUROPATHY, CONGENITAL SENSORY; NEUROPATHY, HEREDITARY SENSORY RADICULAR, AUTOSOMAL RECESSIVE; NEUROPATHY, HEREDITARY SENSORY, TYPE IIA; NEUROPATHY, PROGRESSIVE SENSORY, OF CHILDREN. Identifiers: Orphanet 970, MedGen C2752089, MONDO:0024309, OMIM 201300.

Allele frequency attached by ClinVar (database versions not stated): gnomAD exomes below 0.00001 and 0.00002; ExAC 0.00001; gnomAD 0.00001; TOPMed 0.00001.
gnomAD v4.1: 5 of 1,609,668 alleles (0.00031%); highest among the groups gnomAD compares: East Asian, 0.011%; no homozygotes.

Submissions (2):

Labcorp Genetics (formerly Invitae), Labcorp
Classification: Uncertain significance for Neuropathy, hereditary sensory and autonomic, type 2A; Generalized epilepsy with febrile seizures plus, type 7. Last evaluated: 2025-06-14. Review status: criteria provided, single submitter. Criteria: Invitae Variant Classification Sherloc (09022015). Collection method: clinical testing. Allele origin: germline.
Comment: This sequence change replaces arginine, which is basic and polar, with isoleucine, which is neutral and non-polar, at codon 1014 of the SCN9A protein (p.Arg1014Ile). This variant is present in population databases (rs745895179, gnomAD 0.03%). This variant has not been reported in the literature in individuals affected with SCN9A-related conditions. ClinVar contains an entry for this variant (Variation ID: 1409973). Invitae Evidence Modeling of protein sequence and biophysical properties (such as structural, functional, and spatial information, amino acid conservation, physicochemical variation, residue mobility, and thermodynamic stability) indicates that this missense variant is not expected to disrupt SCN9A protein function with a negative predictive value of 95%. In summary, the available evidence is currently insufficient to determine the role of this variant in disease. Therefore, it has been classified as a Variant of Uncertain Significance.

Ambry Genetics
Classification: Uncertain significance for Inborn genetic diseases. Last evaluated: 2023-12-21. Review status: criteria provided, single submitter. Criteria: Ambry Variant Classification Scheme 2023. Collection method: clinical testing. Allele origin: germline.

NM_001365536.1(SCN9A):c.3074G>T (p.Arg1025Ile)

Genes: SCN1A-AS1 (SCN1A and SCN9A antisense RNA 1; plus strand), SCN9A (sodium voltage-gated channel alpha subunit 9; minus strand). Cytogenetic location: 2q24.3.
Variant type: single nucleotide variant.
Coding change: c.3074G>T on transcript NM_001365536.1 (MANE Select); coding-DNA position 3074, G replaced by T.
Protein change: p.Arg1025Ile; replaces arginine 1025 with isoleucine.
Molecular consequence: missense variant.
Genome position (GRCh38, 1-based): chr2:166,272,676, C>A on the plus strand (G>T on the coding strand, the complement: SCN9A is on the minus strand). VCF-style: chr2-166272676-C-A. GRCh37 (hg19) VCF-style: chr2-167129186-C-A.
Other names: c.3041G>T, p.Arg1014Ile (NM_002977.4); short protein forms R1014I, R1025I.
Identifiers: ClinVar variation 1409973 (VCV001409973.9), dbSNP rs745895179, ClinGen allele CA1944141.